The following is an entry in ClinVar:

ClinVar aggregate classification (germline): Likely benign. Review status: reviewed by expert panel (3 of 4 stars). 6 submissions from 6 submitters: Likely benign (1). 5 of the submissions do not count toward it. Last evaluated 2017-06-29.

Conditions:
Hereditary cancer-predisposing syndrome. Also called: Neoplastic Syndromes, Hereditary; Hereditary Cancer Syndrome; Tumor predisposition; Hereditary neoplastic syndrome. Identifiers: Orphanet 140162, MedGen C0027672, MeSH D009386, MONDO:0015356.
Hereditary breast ovarian cancer syndrome. Also called: BRCA1- and BRCA2-Associated Hereditary Breast and Ovarian Cancer; Hereditary breast and ovarian cancer syndrome (HBOC); Hereditary breast and ovarian cancer syndrome; Hereditary breast and ovarian cancer; Hereditary breast and/or ovarian cancer syndrome; Breast and ovarian cancer. Identifiers: Orphanet 145, MedGen C0677776, MeSH D061325, MONDO:0003582. Disease mechanism: loss of function.
Breast-ovarian cancer, familial, susceptibility to, 2 (BROVCA2). Also called: BRCA2 Hereditary Breast and Ovarian Cancer. Identifiers: Orphanet 145, MedGen C2675520, MONDO:0012933, OMIM 612555. Disease mechanism: loss of function.

Submissions (6):

Evidence-based Network for the Interpretation of Germline Mutant Alleles (ENIGMA)
Classification: Likely benign for Breast-ovarian cancer, familial, susceptibility to, 2. Last evaluated: 2017-06-29. Review status: reviewed by expert panel. Criteria: ENIGMA BRCA1/2 Classification Criteria (2017-06-29). Collection method: curation. Allele origin: germline.
Comment: Synonymous substitution variant, with low bioinformatic likelihood to result in a splicing aberration (Splicing prior probability 0.02).

CeGaT Center for Human Genetics Tuebingen
Classification: Likely benign. Last evaluated: 2025-12-01. Review status: criteria provided, single submitter. Criteria: CeGaT Center For Human Genetics Tuebingen Variant Classification Criteria Version 2. Collection method: clinical testing. Allele origin: germline. Affected: yes. Observed: 1 variant allele. Not counted in ClinVar's aggregate classification.
Comment: BRCA2: PM2:Supporting, BP4, BP7

Color Diagnostics, LLC DBA Color Health
Classification: Likely benign for Hereditary cancer-predisposing syndrome. Last evaluated: 2025-07-25. Review status: criteria provided, single submitter. Criteria: ACMG Guidelines, 2015. Collection method: clinical testing. Allele origin: germline. Not counted in ClinVar's aggregate classification.

Labcorp Genetics (formerly Invitae), Labcorp
Classification: Likely benign for Hereditary breast ovarian cancer syndrome. Last evaluated: 2023-08-23. Review status: criteria provided, single submitter. Criteria: Invitae Variant Classification Sherloc (09022015). Collection method: clinical testing. Allele origin: germline. Not counted in ClinVar's aggregate classification.

GeneDx
Classification: Likely benign. Last evaluated: 2019-02-05. Review status: criteria provided, single submitter. Criteria: GeneDx Variant Classification Process June 2021. Collection method: clinical testing. Allele origin: germline. Affected: yes. Not counted in ClinVar's aggregate classification.

Ambry Genetics
Classification: Likely benign for Hereditary cancer-predisposing syndrome. Last evaluated: 2015-05-18. Review status: criteria provided, single submitter. Criteria: Ambry Variant Classification Scheme 2023. Collection method: clinical testing. Allele origin: germline. Not counted in ClinVar's aggregate classification.

NM_000059.4(BRCA2):c.4941A>G (p.Thr1647=)

Gene: BRCA2 (BRCA2 DNA repair associated; plus strand). Cytogenetic location: 13q13.1.
Variant type: single nucleotide variant.
Coding change: c.4941A>G on transcript NM_000059.4 (MANE Select); coding-DNA position 4941, A replaced by G.
Protein change: p.Thr1647=; no amino-acid change (threonine 1647 retained).
Molecular consequence: synonymous variant.
Genome position (GRCh38, 1-based): chr13:32,339,296, A>G. VCF-style: chr13-32339296-A-G. GRCh37 (hg19) VCF-style: chr13-32913433-A-G.
Identifiers: ClinVar variation 231846 (VCV000231846.22), dbSNP rs876659398, ClinGen allele CA10579639.